The following is an entry in ClinVar:

ClinVar aggregate classification (germline): Likely pathogenic (1 of 4 stars; one submission).

Conditions:
Cardiovascular phenotype. Identifiers: MedGen CN230736.
Hereditary cancer-predisposing syndrome. Also called: Neoplastic Syndromes, Hereditary; Tumor predisposition; Hereditary Cancer Syndrome; Hereditary neoplastic syndrome. Identifiers: Orphanet 140162, MedGen C0027672, MeSH D009386, MONDO:0015356.

Allele frequency attached by ClinVar (database versions not stated): gnomAD exomes below 0.00001.
gnomAD v4.1: 2 of 1,576,994 alleles (0.00013%); highest among the groups gnomAD compares: South Asian, 0.0012%; no homozygotes.

Submission:

Ambry Genetics
Classification: Likely pathogenic for Cardiovascular phenotype; Hereditary cancer-predisposing syndrome. Last evaluated: 2026-04-28. Review status: criteria provided, single submitter. Criteria: Ambry Variant Classification Scheme 2023. Collection method: clinical testing. Allele origin: germline.
Comment: The p.G300E variant (also known as c.899G>A), located in coding exon 9 of the LZTR1 gene, results from a G to A substitution at nucleotide position 899. The glycine at codon 300 is replaced by glutamic acid, an amino acid with similar properties. This variant was reported in individual(s) with features consistent with LZTR1-related schwannomatosis (Ambry internal data). This amino acid position is conserved. In addition, this alteration is predicted to be deleterious by in silico analysis. This variant is considered to be rare based on population cohorts in the Genome Aggregation Database (gnomAD). Based on the supporting evidence, this variant is likely pathogenic for an increased risk of LZTR1-related schwannomatosis (SWN). This variant is also likely to cause autosomal recessive Noonan syndrome when present along with a second pathogenic variant on the other allele.

NM_006767.4(LZTR1):c.899G>A (p.Gly300Glu)

Gene: LZTR1 (leucine zipper like post translational regulator 1; plus strand). Cytogenetic location: 22q11.21.
Variant type: single nucleotide variant.
Coding change: c.899G>A on transcript NM_006767.4 (MANE Select); coding-DNA position 899, G replaced by A.
Protein change: p.Gly300Glu; replaces glycine 300 with glutamic acid.
Molecular consequence: missense variant.
Genome position (GRCh38, 1-based): chr22:20,991,735, G>A. VCF-style: chr22-20991735-G-A. GRCh37 (hg19) VCF-style: chr22-21346024-G-A.
Other names: short protein forms G300E.
Identifiers: ClinVar variation 3238366 (VCV003238366.2), dbSNP rs2518617212.
Genomic context (GRCh38, chr22:20,991,735, plus strand): 5'-CCCCGCAGCGGCGCTACGGGCATACCATGGTGGCCTTTGACCGCCACCTCTATGTGTTTG[G>A]GGGTGCGGCCGACAACACGCTGCCCAACGAGCTGCACTGCTATGACGTGGACTTCCAGAC-3'
Protein context (NP_006758.2, residues 290-310): VAFDRHLYVF[Gly300Glu]GAADNTLPNE